The following is an entry in ClinVar:

ClinVar aggregate classification (germline): Uncertain significance (1 of 4 stars; one submission).

Allele frequency attached by ClinVar (database versions not stated): gnomAD 0.00001; TOPMed 0.00002.
gnomAD v4.1: 2 of 1,553,912 alleles (0.00013%); highest among the groups gnomAD compares: African/African-American, 0.0028%; no homozygotes.

Submission:

Labcorp Genetics (formerly Invitae), Labcorp
Classification: Uncertain significance. Last evaluated: 2022-03-18. Review status: criteria provided, single submitter. Criteria: Invitae Variant Classification Sherloc (09022015). Collection method: clinical testing. Allele origin: germline.
Comment: This sequence change replaces serine, which is neutral and polar, with alanine, which is neutral and non-polar, at codon 10 of the TCTEX1D2 protein (p.Ser10Ala). This variant is not present in population databases (gnomAD no frequency). This variant has not been reported in the literature in individuals affected with TCTEX1D2-related conditions. Algorithms developed to predict the effect of missense changes on protein structure and function output the following: SIFT: "Tolerated"; PolyPhen-2: "Benign"; Align-GVGD: "Class C0". The alanine amino acid residue is found in multiple mammalian species, which suggests that this missense change does not adversely affect protein function. Algorithms developed to predict the effect of sequence changes on RNA splicing suggest that this variant may disrupt the consensus splice site. In summary, the available evidence is currently insufficient to determine the role of this variant in disease. Therefore, it has been classified as a Variant of Uncertain Significance.

NM_152773.5(DYNLT2B):c.28T>G (p.Ser10Ala)

Genes: DYNLT2B (dynein light chain Tctex-type 2B; minus strand), TM4SF19-DYNLT2B (TM4SF19-DYNLT2B readthrough (NMD candidate); minus strand), LOC129938285 (ATAC-STARR-seq lymphoblastoid active region 21087; plus strand). Cytogenetic location: 3q29.
Variant type: single nucleotide variant.
Coding change: c.28T>G on transcript NM_152773.5 (MANE Select); coding-DNA position 28, T replaced by G.
Protein change: p.Ser10Ala; replaces serine 10 with alanine.
Molecular consequence: missense variant.
Genome position (GRCh38, 1-based): chr3:196,318,125, A>C on the plus strand (T>G on the coding strand, the complement: DYNLT2B is on the minus strand). VCF-style: chr3-196318125-A-C. GRCh37 (hg19) VCF-style: chr3-196044996-A-C.
Other names: c.28T>G, p.Ser10Ala (NM_001351628.2); short protein forms S10A.
Identifiers: ClinVar variation 1969060 (VCV001969060.5), dbSNP rs1726941135, ClinGen allele CA355590807.